The following is an entry in ClinVar:

ClinVar aggregate classification (germline): Uncertain significance. Review status: criteria provided, multiple submitters, no conflicts (2 of 4 stars). 2 submissions from 2 submitters: Uncertain significance (2). Last evaluated 2025-03-19.

Conditions:
VPS13B-related disorder. Also called: VPS13B-related condition.
Cohen syndrome (COH1). Also called: PEPPER SYNDROME; Cutis verticis gyrata, retinitis pigmentosa, and sensorineural deafness. Identifiers: Orphanet 193, MedGen C0265223, MONDO:0008999, OMIM 216550.

Allele frequency attached by ClinVar (database versions not stated): gnomAD exomes below 0.00001; ExAC 0.00001; gnomAD 0.00001; TOPMed 0.00002.
gnomAD v4.1: 3 of 1,613,956 alleles (0.00019%); highest among the groups gnomAD compares: African/African-American, 0.0027%; no homozygotes.

Submissions (2):

PreventionGenetics, part of Exact Sciences
Classification: Uncertain significance for VPS13B-related condition. Last evaluated: 2025-03-19. Review status: criteria provided, single submitter. Criteria: ACMG Guidelines, 2015. Collection method: clinical testing. Allele origin: germline.
Comment: The VPS13B c.8855A>G variant is predicted to result in the amino acid substitution p.Tyr2952Cys. To our knowledge, this variant has not been reported in the literature. This variant is reported in 0.0029% of alleles in individuals of Latino descent in gnomAD. At this time, the clinical significance of this variant is uncertain due to the absence of conclusive functional and genetic evidence.

Labcorp Genetics (formerly Invitae), Labcorp
Classification: Uncertain significance for Cohen syndrome. Last evaluated: 2022-07-19. Review status: criteria provided, single submitter. Criteria: Invitae Variant Classification Sherloc (09022015). Collection method: clinical testing. Allele origin: germline.
Comment: This sequence change replaces tyrosine, which is neutral and polar, with cysteine, which is neutral and slightly polar, at codon 2977 of the VPS13B protein (p.Tyr2977Cys). This variant is present in population databases (rs781672422, gnomAD 0.003%). This variant has not been reported in the literature in individuals affected with VPS13B-related conditions. Algorithms developed to predict the effect of missense changes on protein structure and function are either unavailable or do not agree on the potential impact of this missense change (SIFT: "Not Available"; PolyPhen-2: "Possibly Damaging"; Align-GVGD: "Not Available"). In summary, the available evidence is currently insufficient to determine the role of this variant in disease. Therefore, it has been classified as a Variant of Uncertain Significance.

NM_152564.5(VPS13B):c.8855A>G (p.Tyr2952Cys)

Gene: VPS13B (vacuolar protein sorting 13 homolog B; plus strand). Cytogenetic location: 8q22.2.
Variant type: single nucleotide variant.
Coding change: c.8855A>G on transcript NM_152564.5 (MANE Select); coding-DNA position 8855, A replaced by G.
Protein change: p.Tyr2952Cys; replaces tyrosine 2952 with cysteine.
Molecular consequence: missense variant.
Genome position (GRCh38, 1-based): chr8:99,819,983, A>G. VCF-style: chr8-99819983-A-G. GRCh37 (hg19) VCF-style: chr8-100832211-A-G.
Other names: c.8930A>G, p.Tyr2977Cys (NM_017890.5); short protein forms Y2977C, Y2952C.
Identifiers: ClinVar variation 1946690 (VCV001946690.3), dbSNP rs781672422, ClinGen allele CA4824582.